The following is an entry in ClinVar:

ClinVar aggregate classification (germline): Likely pathogenic (1 of 4 stars; one submission).

Submission:

GeneDx
Classification: Likely pathogenic. Last evaluated: 2023-08-25. Review status: criteria provided, single submitter. Criteria: GeneDx Variant Classification Process June 2021. Collection method: clinical testing. Allele origin: germline. Affected: yes.
Comment: Frameshift variant predicted to result in protein truncation, as the last 120 amino acids are replaced with 77 different amino acids, and other loss-of-function variants have been reported downstream in HGMD; Not observed at significant frequency in large population cohorts (gnomAD); Has not been previously published as pathogenic or benign to our knowledge; This variant is associated with the following publications: (PMID: Gordon2000[Book])

NM_000136.3(FANCC):c.1317_1318del (p.Arg439fs)

Genes: AOPEP (aminopeptidase O (putative); plus strand), FANCC (FA complementation group C; minus strand). Cytogenetic location: 9q22.32.
Variant type: Microsatellite.
Coding change: c.1317_1318del on transcript NM_000136.3 (MANE Select); coding-DNA positions 1317 to 1318, 2 bases deleted (AG; older notation c.1317_1318delAG).
Protein change: p.Arg439fs; shifts the reading frame from arginine 439.
Molecular consequence: frameshift variant.
Genome position (GRCh38, 1-based): chr9:95,111,474-95,111,475, CT deleted on the plus strand (AG on the coding strand, the reverse complement: FANCC is on the minus strand); deleting any 2 consecutive bases within chr9:95,111,474-95,111,479 gives the same sequence; the c. name uses the placement nearest the transcript's 3' end. VCF-style (leftmost placement, unchanged base first): chr9-95111473-GCT-G. GRCh37 (hg19) VCF-style: chr9-97873755-GCT-G.
Other names: c.1313_1314AG[2], p.Arg439Serfs (NM_000136.2); c.1317_1318del, p.Arg439fs (NM_001243743.2, NM_001243744.2); c.1317_1318del (NM_000136.2); short protein forms R439fs.
Identifiers: ClinVar variation 2577655 (VCV002577655.1), dbSNP rs2540882312, ClinGen allele CA2580617443.